The following is an entry in ClinVar:

NM_198503.5(KCNT2):c.2675T>G (p.Met892Arg)

Gene: KCNT2 (potassium sodium-activated channel subfamily T member 2; minus strand). Cytogenetic location: 1q31.3.
Variant type: single nucleotide variant.
Coding change: c.2675T>G on transcript NM_198503.5 (MANE Select); coding-DNA position 2675, T replaced by G.
Protein change: p.Met892Arg; replaces methionine 892 with arginine.
Molecular consequence: missense variant. On other transcripts: non-coding transcript variant (2).
Genome position (GRCh38, 1-based): chr1:196,285,679, A>C on the plus strand (T>G on the coding strand, the complement: KCNT2 is on the minus strand). VCF-style: chr1-196285679-A-C. GRCh37 (hg19) VCF-style: chr1-196254809-A-C.
Other names: c.2603T>G, p.Met868Arg (NM_001287819.3); c.2453T>G, p.Met818Arg (NM_001287820.3); short protein forms M818R, M868R, M892R.
Identifiers: ClinVar variation 2442740 (VCV002442740.1), dbSNP rs2528030641, ClinGen allele CA343975112.

ClinVar aggregate classification (germline): Uncertain significance (1 of 4 stars; one submission).

Submission:

GeneDx
Classification: Uncertain significance. Last evaluated: 2022-09-01. Review status: criteria provided, single submitter. Criteria: GeneDx Variant Classification Process June 2021. Collection method: clinical testing. Allele origin: germline. Affected: yes.
Comment: Not observed at significant frequency in large population cohorts (gnomAD); In silico analysis supports that this missense variant has a deleterious effect on protein structure/function; Has not been previously published as pathogenic or benign to our knowledge.